The following is an entry in ClinVar:

ClinVar aggregate classification (germline): Uncertain significance (1 of 4 stars; one submission).

Conditions:
Meckel-Gruber syndrome. Also called: DYSENCEPHALIA SPLANCHNOCYSTICA; GRUBER SYNDROME; Dysencephalia splachnocystica. Identifiers: Orphanet 564, MedGen C0265215, MONDO:0018921.
Joubert syndrome. Also called: CEREBELLOPARENCHYMAL DISORDER IV; JOUBERT-BOLTSHAUSER SYNDROME; Familial aplasia of the vermis. Identifiers: Orphanet 475, MedGen C5979921, MONDO:0018772.

Submission:

Labcorp Genetics (formerly Invitae), Labcorp
Classification: Uncertain significance for Joubert syndrome; Meckel-Gruber syndrome. Last evaluated: 2021-12-08. Review status: criteria provided, single submitter. Criteria: Invitae Variant Classification Sherloc (09022015). Collection method: clinical testing. Allele origin: germline.
Comment: This sequence change replaces proline, which is neutral and non-polar, with serine, which is neutral and polar, at codon 1231 of the RPGRIP1L protein (p.Pro1231Ser). This variant is not present in population databases (gnomAD no frequency). This variant has not been reported in the literature in individuals affected with RPGRIP1L-related conditions. Algorithms developed to predict the effect of missense changes on protein structure and function (SIFT, PolyPhen-2, Align-GVGD) all suggest that this variant is likely to be tolerated. In summary, the available evidence is currently insufficient to determine the role of this variant in disease. Therefore, it has been classified as a Variant of Uncertain Significance.

NM_015272.5(RPGRIP1L):c.3691C>T (p.Pro1231Ser)

Gene: RPGRIP1L (RPGRIP1 like; minus strand). Cytogenetic location: 16q12.2.
Variant type: single nucleotide variant.
Coding change: c.3691C>T on transcript NM_015272.5 (MANE Select); coding-DNA position 3691, C replaced by T.
Protein change: p.Pro1231Ser; replaces proline 1231 with serine.
Molecular consequence: missense variant.
Genome position (GRCh38, 1-based): chr16:53,610,977, G>A on the plus strand (C>T on the coding strand, the complement: RPGRIP1L is on the minus strand). VCF-style: chr16-53610977-G-A. GRCh37 (hg19) VCF-style: chr16-53644889-G-A.
Other names: c.3451C>T, p.Pro1151Ser (NM_001127897.4); c.3553C>T, p.Pro1185Ser (NM_001308334.3); c.3589C>T, p.Pro1197Ser (NM_001330538.2); short protein forms P1151S, P1185S, P1231S, P1197S.
Identifiers: ClinVar variation 1897620 (VCV001897620.2), dbSNP rs1963999112, ClinGen allele CA395922235.
Genomic context (GRCh38, chr16:53,610,977, plus strand): 5'-GAGATCTACTTTATGTAAACCATTAGATTATTTGGACTGCCAAAACATACCTTCTATTAG[G>A]CATCTCTTGTTTTTGTAGTATAGCTTTTAAGATGTCTCTCTTTGCTTTGTTGTTTTCTTT-3'
Protein context (NP_056087.2, residues 1221-1241): LKAILQKQEM[Pro1231Ser]NRSLRFTVVS